The following is an entry in ClinVar:

ClinVar aggregate classification (germline): Uncertain significance (1 of 4 stars; one submission).

Allele frequency attached by ClinVar (database versions not stated): 1000 Genomes Project 30x 0.00016; 1000 Genomes Project 0.00020; TOPMed 0.00029; gnomAD 0.00030 and 0.00034; ESP Exome Variant Server 0.00054.
gnomAD v4.1: 83 of 1,614,168 alleles (0.0051%); highest among the groups gnomAD compares: African/African-American, 0.1%; no homozygotes.

Submission:

Labcorp Genetics (formerly Invitae), Labcorp
Classification: Uncertain significance. Last evaluated: 2024-06-17. Review status: criteria provided, single submitter. Criteria: Invitae Variant Classification Sherloc (09022015). Collection method: clinical testing. Allele origin: germline.
Comment: This sequence change replaces proline, which is neutral and non-polar, with serine, which is neutral and polar, at codon 471 of the AHR protein (p.Pro471Ser). This variant is present in population databases (rs149412835, gnomAD 0.09%). This missense change has been observed in individual(s) with clinical features of AHR-related conditions (Invitae). ClinVar contains an entry for this variant (Variation ID: 1010807). An algorithm developed to predict the effect of missense changes on protein structure and function (PolyPhen-2) suggests that this variant is likely to be disruptive. In summary, the available evidence is currently insufficient to determine the role of this variant in disease. Therefore, it has been classified as a Variant of Uncertain Significance.

NM_001621.5(AHR):c.1411C>T (p.Pro471Ser)

Gene: AHR (aryl hydrocarbon receptor; plus strand). Cytogenetic location: 7p21.1.
Variant type: single nucleotide variant.
Coding change: c.1411C>T on transcript NM_001621.5 (MANE Select); coding-DNA position 1411, C replaced by T.
Protein change: p.Pro471Ser; replaces proline 471 with serine.
Molecular consequence: missense variant.
Genome position (GRCh38, 1-based): chr7:17,339,236, C>T. VCF-style: chr7-17339236-C-T. GRCh37 (hg19) VCF-style: chr7-17378860-C-T.
Other names: short protein forms P471S.
Identifiers: ClinVar variation 1010807 (VCV001010807.7), dbSNP rs149412835, ClinGen allele CA4172107.
Genomic context (GRCh38, chr7:17,339,236, plus strand): 5'-CTCAATCCTAGTTCCCTCCTGGCTGCCATGATGCAACAAGATGAGTCTATTTATCTCTAT[C>T]CTGCTTCAAGTACTTCAAGTACTGCACCTTTTGAAAACAACTTTTTCAACGAATCTATGA-3'
Protein context (NP_001612.1, residues 461-481): MQQDESIYLY[Pro471Ser]ASSTSSTAPF